The following is an entry in ClinVar:

ClinVar aggregate classification (germline): Uncertain significance (1 of 4 stars; one submission).

Allele frequency attached by ClinVar (database versions not stated): gnomAD exomes below 0.00001.
gnomAD v4.1: 1 of 1,614,154 alleles (0.000062%); highest among the groups gnomAD compares: East Asian, 0.0022%; no homozygotes.

Submission:

Labcorp Genetics (formerly Invitae), Labcorp
Classification: Uncertain significance. Last evaluated: 2022-07-30. Review status: criteria provided, single submitter. Criteria: Invitae Variant Classification Sherloc (09022015). Collection method: clinical testing. Allele origin: germline.
Comment: This variant is not present in population databases (gnomAD no frequency). In summary, the available evidence is currently insufficient to determine the role of this variant in disease. Therefore, it has been classified as a Variant of Uncertain Significance. Algorithms developed to predict the effect of missense changes on protein structure and function (SIFT, PolyPhen-2, Align-GVGD) all suggest that this variant is likely to be tolerated. This variant has not been reported in the literature in individuals affected with ARHGEF10-related conditions. This sequence change replaces lysine, which is basic and polar, with glutamine, which is neutral and polar, at codon 432 of the ARHGEF10 protein (p.Lys432Gln).

NM_014629.4(ARHGEF10):c.1294A>C (p.Lys432Gln)

Gene: ARHGEF10 (Rho guanine nucleotide exchange factor 10; plus strand). Cytogenetic location: 8p23.3.
Variant type: single nucleotide variant.
Coding change: c.1294A>C on transcript NM_014629.4 (MANE Select); coding-DNA position 1294, A replaced by C.
Protein change: p.Lys432Gln; replaces lysine 432 with glutamine.
Molecular consequence: missense variant.
Genome position (GRCh38, 1-based): chr8:1,894,426, A>C. VCF-style: chr8-1894426-A-C. GRCh37 (hg19) VCF-style: chr8-1842592-A-C.
Other names: c.1180A>C, p.Lys394Gln (NM_001308152.2); c.1297A>C, p.Lys433Gln (NM_001308153.3); short protein forms K394Q, K432Q, K457Q, K433Q.
Identifiers: ClinVar variation 1714598 (VCV001714598.6), dbSNP rs1585433622, ClinGen allele CA369959169.